The following is an entry in ClinVar:

NM_032228.6(FAR1):c.175G>A (p.Val59Ile)

Gene: FAR1 (fatty acyl-CoA reductase 1; plus strand). Cytogenetic location: 11p15.3.
Variant type: single nucleotide variant.
Coding change: c.175G>A on transcript NM_032228.6 (MANE Select); coding-DNA position 175, G replaced by A.
Protein change: p.Val59Ile; replaces valine 59 with isoleucine.
Molecular consequence: missense variant.
Genome position (GRCh38, 1-based): chr11:13,694,940, G>A. VCF-style: chr11-13694940-G-A. GRCh37 (hg19) VCF-style: chr11-13716487-G-A.
Other names: p.Val59Ile; short protein forms V59I.
Identifiers: ClinVar variation 778419 (VCV000778419.18), dbSNP rs140104758, ClinGen allele CA5893252.

ClinVar aggregate classification (germline): Benign/Likely benign. Review status: criteria provided, multiple submitters, no conflicts (2 of 4 stars). 4 submissions from 4 submitters: Benign (2); Likely benign (2). Last evaluated 2026-02-03.

Allele frequency attached by ClinVar (database versions not stated): ESP Exome Variant Server 0.00023; gnomAD 0.00161 and 0.00169; 1000 Genomes Project 0.00339; 1000 Genomes Project 30x 0.00344; TOPMed 0.00363; ExAC 0.00473; gnomAD exomes 0.00627.
gnomAD v4.1: 2,166 of 1,610,918 alleles (0.13%); highest among the groups gnomAD compares: Admixed American, 3.3%; 50 homozygotes.

Submissions (4):

Labcorp Genetics (formerly Invitae), Labcorp
Classification: Benign. Last evaluated: 2026-02-03. Review status: criteria provided, single submitter. Criteria: Invitae Variant Classification Sherloc (09022015). Collection method: clinical testing. Allele origin: germline.

Mayo Clinic Laboratories, Mayo Clinic
Classification: Benign. Last evaluated: 2024-07-22. Review status: criteria provided, single submitter. Criteria: ACMG Guidelines, 2015. Collection method: clinical testing. Allele origin: germline. Observed: 3 variant alleles.
Comment: BS1, BS2, BP4

GeneDx
Classification: Likely benign. Last evaluated: 2023-09-20. Review status: criteria provided, single submitter. Criteria: GeneDx Variant Classification Process June 2021. Collection method: clinical testing. Allele origin: germline. Affected: yes.
Comment: See Variant Classification Assertion Criteria.

Breakthrough Genomics
Classification: Likely benign. Review status: criteria provided, single submitter. Criteria: ACMG Guidelines, 2015. Collection method: not provided. Allele origin: germline. Inheritance: Autosomal recessive inheritance. Affected: yes.